The following is an entry in ClinVar:

ClinVar aggregate classification (germline): Pathogenic (1 of 4 stars; one submission).

Conditions:
Severe myoclonic epilepsy in infancy (DRVT). Also called: Epileptic encephalopathy, early infantile, 6 (Dravet syndrome); SEVERE MYOCLONIC EPILEPSY OF INFANCY; DEVELOPMENTAL AND EPILEPTIC ENCEPHALOPATHY 6A; Severe Myoclonic Epilepsy in Infancy (SMEI); Dravet syndrome. Identifiers: Orphanet 33069, MedGen C0751122, MONDO:0100135, OMIM 607208.

Submission:

Center for Bioinformatics, Peking University
Classification: Pathogenic for Dravet syndrome. Last evaluated: 2014-12-20. Review status: criteria provided, single submitter. Criteria: Xu et al. (Hum Mutat. 2015). Collection method: research. Allele origin: de novo. Affected: yes. Observed: 1 variant allele. Study: University Clinical Cooperation “985 Project” PKU-2014-1-1.
Comment: Dravet syndrome (DS) probands were recruited from the outpatient and inpatient child neurology units of Peking University First Hospital from 2005 till present. The study was approved by the Ethics Committee of Peking University First Hospital and the Institutional Review Board at Peking University. Participants or their parents provided written informed consent before enrollment. We collected a total of 267 mutations from 255 families with probands diagnosed with DS in China. All probands fulfilled the clinical diagnostic criteria.

NM_001165963.4(SCN1A):c.1136T>A (p.Met379Lys)

Gene: SCN1A (sodium voltage-gated channel alpha subunit 1; minus strand). Cytogenetic location: 2q24.3.
Variant type: single nucleotide variant.
Coding change: c.1136T>A on transcript NM_001165963.4 (MANE Select); coding-DNA position 1136, T replaced by A.
Protein change: p.Met379Lys; replaces methionine 379 with lysine.
Molecular consequence: missense variant. On other transcripts: 5 prime UTR variant (1), non-coding transcript variant (1).
Genome position (GRCh38, 1-based): chr2:166,047,661, A>T on the plus strand (T>A on the coding strand, the complement: SCN1A is on the minus strand). VCF-style: chr2-166047661-A-T. GRCh37 (hg19) VCF-style: chr2-166904171-A-T.
Other names: c.1136T>A, p.Met379Lys (NM_001165964.3, NM_001202435.3, NM_001353948.2 and 10 more transcripts); c.-1290T>A (NM_001353961.2); short protein forms M379K.
Identifiers: ClinVar variation 189888 (VCV000189888.1), dbSNP rs794726732, ClinGen allele CA303214.
Genomic context (GRCh38, chr2:166,047,661, plus strand): 5'-GGAGAGTGTGGCTCTTTAGTTCTCACCAGTTGATAAAGATTTTCCCAGAAGTCCTGAGTC[A>T]TTAGTCGAAACAAGGACAAAAAAGCCCAACTGAAGGTATCAAAGCTTGTGTAGCCATAAT-3'
Protein context (NP_001159435.1, residues 369-389): SWAFLSLFRL[Met379Lys]TQDFWENLYQ